The following is an entry in ClinVar:

NM_000760.4(CSF3R):c.2407C>T (p.Pro803Ser)

Gene: CSF3R (colony stimulating factor 3 receptor; minus strand). Cytogenetic location: 1p34.3.
Variant type: single nucleotide variant.
Coding change: c.2407C>T on transcript NM_000760.4 (MANE Select); coding-DNA position 2407, C replaced by T.
Protein change: p.Pro803Ser; replaces proline 803 with serine.
Molecular consequence: missense variant. On other transcripts: intron variant (1).
Genome position (GRCh38, 1-based): chr1:36,466,461, G>A on the plus strand (C>T on the coding strand, the complement: CSF3R is on the minus strand). VCF-style: chr1-36466461-G-A. GRCh37 (hg19) VCF-style: chr1-36932062-G-A.
Other names: c.2488C>T, p.Pro830Ser (NM_156039.3); c.2247+160C>T (NM_172313.3); short protein forms P803S, P830S.
Identifiers: ClinVar variation 784944 (VCV000784944.13), dbSNP rs35622214, ClinGen allele CA768898.
Genomic context (GRCh38, chr1:36,466,461, plus strand): 5'-GCAGGAGGGGGAAGTTGAGCAGTGGCCCAAAGACACAGTCGTCCTCCTGGCTTGGGGCTG[G>A]GGTTACCAGGGTCCCCAAGGGGCTGGCCTGGAACCAGAGGTTCTCATAGGACTTGGGGCT-3'
Protein context (NP_000751.1, residues 793-813): QASPLGTLVT[Pro803Ser]APSQEDDCVF

ClinVar aggregate classification (germline): Likely benign. Review status: criteria provided, single submitter (1 of 4 stars). 2 submissions from 2 submitters: Likely benign (1). 1 of the submissions does not count toward it. Last evaluated 2026-01-23.

Conditions:
Autosomal recessive severe congenital neutropenia due to CSF3R deficiency. Also called: Neutropenia, severe congenital, 7, autosomal recessive. Identifiers: Orphanet 420702, MedGen C4310764, MONDO:0014865, OMIM 617014.
CSF3R-related disorder. Also called: CSF3R-related condition.

Allele frequency attached by ClinVar (database versions not stated): gnomAD exomes 0.00012 and 0.00032; ExAC 0.00051; gnomAD 0.00173 and 0.00185; TOPMed 0.00175; 1000 Genomes Project 0.00200; ESP Exome Variant Server 0.00200; 1000 Genomes Project 30x 0.00219.
gnomAD v4.1: 450 of 1,612,292 alleles (0.028%); highest among the groups gnomAD compares: African/African-American, 0.54%; 3 homozygotes.

Submissions (2):

Labcorp Genetics (formerly Invitae), Labcorp
Classification: Likely benign for Autosomal recessive severe congenital neutropenia due to CSF3R deficiency. Last evaluated: 2026-01-23. Review status: criteria provided, single submitter. Criteria: Invitae Variant Classification Sherloc (09022015). Collection method: clinical testing. Allele origin: germline.

PreventionGenetics, part of Exact Sciences
Classification: Likely benign for CSF3R-related condition. Last evaluated: 2021-05-26. Review status: no assertion criteria provided. Collection method: clinical testing. Allele origin: germline. Not counted in ClinVar's aggregate classification.
Comment: This variant is classified as likely benign based on ACMG/AMP sequence variant interpretation guidelines (Richards et al. 2015 PMID: 25741868, with internal and published modifications).